The following is an entry in ClinVar:

NM_001134407.3(GRIN2A):c.2640G>A (p.Lys880=)

Gene: GRIN2A (glutamate ionotropic receptor NMDA type subunit 2A; minus strand). Cytogenetic location: 16p13.2.
Variant type: single nucleotide variant.
Coding change: c.2640G>A on transcript NM_001134407.3 (MANE Select); coding-DNA position 2640, G replaced by A.
Protein change: p.Lys880=; no amino-acid change (lysine 880 retained).
Molecular consequence: synonymous variant.
Genome position (GRCh38, 1-based): chr16:9,764,904, C>T on the plus strand (G>A on the coding strand, the complement: GRIN2A is on the minus strand). VCF-style: chr16-9764904-C-T. GRCh37 (hg19) VCF-style: chr16-9858761-C-T.
Other names: c.2640G>A, p.Lys880= (NM_000833.5, NM_001134408.2).
Identifiers: ClinVar variation 512886 (VCV000512886.4), dbSNP rs778938265, ClinGen allele CA277538770.

ClinVar aggregate classification (germline): Likely benign. Review status: criteria provided, multiple submitters, no conflicts (2 of 4 stars). 2 submissions from 2 submitters: Likely benign (2). Last evaluated 2023-10-23.

Conditions:
Landau-Kleffner syndrome (FESD). Also called: EPILEPSY, FOCAL, WITH SPEECH DISORDER AND WITH OR WITHOUT MENTAL RETARDATION; APHASIA, ACQUIRED, WITH EPILEPSY. Identifiers: Orphanet 1945, Orphanet 725, Orphanet 98818, MedGen C0282512, MONDO:0009509, OMIM 245570.

Allele frequency attached by ClinVar (database versions not stated): TOPMed 0.00001; gnomAD 0.00001.
gnomAD v4.1: 1 of 1,614,002 alleles (0.000062%); highest among the groups gnomAD compares: African/African-American, 0.0013%; no homozygotes.

Submissions (2):

Labcorp Genetics (formerly Invitae), Labcorp
Classification: Likely benign for Landau-Kleffner syndrome. Last evaluated: 2023-10-23. Review status: criteria provided, single submitter. Criteria: Invitae Variant Classification Sherloc (09022015). Collection method: clinical testing. Allele origin: germline.

GeneDx
Classification: Likely benign. Last evaluated: 2017-10-26. Review status: criteria provided, single submitter. Criteria: GeneDx Variant Classification (06012015). Collection method: clinical testing. Allele origin: germline. Affected: yes.
Comment: This variant is considered likely benign or benign based on one or more of the following criteria: it is a conservative change, it occurs at a poorly conserved position in the protein, it is predicted to be benign by multiple in silico algorithms, and/or has population frequency not consistent with disease.